The following is an entry in ClinVar:

ClinVar aggregate classification (germline): Uncertain significance. Review status: criteria provided, multiple submitters, no conflicts (2 of 4 stars). 5 submissions from 5 submitters: Uncertain significance (4). 1 of the submissions does not count toward it. Last evaluated 2024-02-27.

Conditions:
Hereditary spastic paraplegia. Also called: Familial spastic paraparesis. Identifiers: Orphanet 685, MedGen C0037773, MONDO:0019064. Disease mechanism: loss of function.
Inborn genetic diseases. Identifiers: MedGen C0950123, MeSH D030342.
Hereditary spastic paraplegia 49 (HSAN9). Also called: NEUROPATHY, HEREDITARY SENSORY AND AUTONOMIC, TYPE IX, WITH DEVELOPMENTAL DELAY; Spastic paraplegia 49, autosomal recessive; TECPR2-Related Hereditary Sensory and Autonomic Neuropathy with Intellectual Disability. Identifiers: Orphanet 320385, MedGen C5190860, MONDO:0014016, OMIM 615031.

Allele frequency attached by ClinVar (database versions not stated): TOPMed 0.00007; gnomAD 0.00013; ESP Exome Variant Server 0.00015.
gnomAD v4.1: 96 of 1,613,566 alleles (0.0059%); highest among the groups gnomAD compares: African/African-American, 0.016%; no homozygotes.

Submissions (5):

Ambry Genetics
Classification: Uncertain significance for Inborn genetic diseases. Last evaluated: 2024-02-27. Review status: criteria provided, single submitter. Criteria: Ambry Variant Classification Scheme 2023. Collection method: clinical testing. Allele origin: germline.

GeneDx
Classification: Uncertain significance. Last evaluated: 2023-11-21. Review status: criteria provided, single submitter. Criteria: GeneDx Variant Classification Process June 2021. Collection method: clinical testing. Allele origin: germline. Affected: yes.
Comment: In silico analysis supports that this missense variant does not alter protein structure/function; Has not been previously published as pathogenic or benign to our knowledge

Labcorp Genetics (formerly Invitae), Labcorp
Classification: Uncertain significance for Hereditary spastic paraplegia 49. Last evaluated: 2022-05-21. Review status: criteria provided, single submitter. Criteria: Invitae Variant Classification Sherloc (09022015). Collection method: clinical testing. Allele origin: germline.
Comment: This sequence change replaces alanine, which is neutral and non-polar, with threonine, which is neutral and polar, at codon 1156 of the TECPR2 protein (p.Ala1156Thr). This variant is present in population databases (rs200844941, gnomAD 0.02%). This variant has not been reported in the literature in individuals affected with TECPR2-related conditions. ClinVar contains an entry for this variant (Variation ID: 655585). Algorithms developed to predict the effect of missense changes on protein structure and function (SIFT, PolyPhen-2, Align-GVGD) all suggest that this variant is likely to be tolerated. In summary, the available evidence is currently insufficient to determine the role of this variant in disease. Therefore, it has been classified as a Variant of Uncertain Significance.

Genome Diagnostics Laboratory, The Hospital for Sick Children
Classification: Uncertain significance for Hereditary spastic paraplegia. Last evaluated: 2016-12-12. Review status: criteria provided, single submitter. Criteria: ACMG Guidelines, 2015. Collection method: clinical testing. Allele origin: germline. Affected: yes.

Natera, Inc.
Classification: Uncertain significance for Autosomal recessive spastic paraplegia type 49. Last evaluated: 2020-04-17. Review status: no assertion criteria provided. Collection method: clinical testing. Allele origin: germline. Not counted in ClinVar's aggregate classification.

NM_014844.5(TECPR2):c.3466G>A (p.Ala1156Thr)

Gene: TECPR2 (tectonin beta-propeller repeat containing 2; plus strand). Cytogenetic location: 14q32.31.
Variant type: single nucleotide variant.
Coding change: c.3466G>A on transcript NM_014844.5 (MANE Select); coding-DNA position 3466, G replaced by A.
Protein change: p.Ala1156Thr; replaces alanine 1156 with threonine.
Molecular consequence: missense variant.
Genome position (GRCh38, 1-based): chr14:102,452,453, G>A. VCF-style: chr14-102452453-G-A. GRCh37 (hg19) VCF-style: chr14-102918790-G-A.
Other names: c.3466G>A, p.Ala1156Thr (NM_001172631.3); short protein forms A1156T.
Identifiers: ClinVar variation 655585 (VCV000655585.10), dbSNP rs200844941, ClinGen allele CA7358250.